The following is an entry in ClinVar:

NM_000814.6(GABRB3):c.241-7464G>A

Gene: GABRB3 (gamma-aminobutyric acid type A receptor subunit beta3; minus strand). Cytogenetic location: 15q12.
Variant type: single nucleotide variant.
Coding change: c.241-7464G>A on transcript NM_000814.6 (MANE Select); 7464 bases into the intron before coding-DNA position 241, G replaced by A.
Molecular consequence: intron variant. On other transcripts: nonsense (1), non-coding transcript variant (1).
Genome position (GRCh38, 1-based): chr15:26,628,998, C>T on the plus strand (G>A on the coding strand, the complement: GABRB3 is on the minus strand). VCF-style: chr15-26628998-C-T. GRCh37 (hg19) VCF-style: chr15-26874145-C-T.
Other names: c.6G>A, p.Trp2Ter (NM_001191321.3); c.241-7464G>A (NM_021912.5); c.-15-7464G>A (NM_001278631.2, NM_001191320.2); short protein forms W2*.
Identifiers: ClinVar variation 2645022 (VCV002645022.24), dbSNP rs2504358746, ClinGen allele CA391463443.

ClinVar aggregate classification (germline): Uncertain significance (1 of 4 stars; one submission).

gnomAD v4.1: 1 of 1,536,142 alleles (0.000065%); no homozygotes.

Submission:

CeGaT Center for Human Genetics Tuebingen
Classification: Uncertain significance. Last evaluated: 2022-06-01. Review status: criteria provided, single submitter. Criteria: CeGaT Center For Human Genetics Tuebingen Variant Classification Criteria Version 2. Collection method: clinical testing. Allele origin: germline. Affected: yes. Observed: 1 variant allele.
Comment: GABRB3: PM2:Supporting